The following is an entry in ClinVar:

NM_002880.4(RAF1):c.784A>T (p.Asn262Tyr)

Gene: RAF1 (Raf-1 proto-oncogene, serine/threonine kinase; minus strand). Cytogenetic location: 3p25.2.
Variant type: single nucleotide variant.
Coding change: c.784A>T on transcript NM_002880.4 (MANE Select); coding-DNA position 784, A replaced by T.
Protein change: p.Asn262Tyr; replaces asparagine 262 with tyrosine.
Molecular consequence: missense variant. On other transcripts: non-coding transcript variant (3).
Genome position (GRCh38, 1-based): chr3:12,604,186, T>A on the plus strand (A>T on the coding strand, the complement: RAF1 is on the minus strand). VCF-style: chr3-12604186-T-A. GRCh37 (hg19) VCF-style: chr3-12645685-T-A.
Other names: c.784A>T, p.Asn262Tyr (NM_001354689.3, NM_001354690.3); c.541A>T, p.Asn181Tyr (NM_001354691.3, NM_001354692.3, NM_001354694.3); c.685A>T, p.Asn229Tyr (NM_001354693.3); c.442A>T, p.Asn148Tyr (NM_001354695.3); short protein forms N262Y, N181Y, N148Y, N229Y.
Identifiers: ClinVar variation 636579 (VCV000636579.9), dbSNP rs1575573204, ClinGen allele CA351512363.

ClinVar aggregate classification (germline): Conflicting classifications of pathogenicity. Review status: criteria provided, conflicting classifications (1 of 4 stars). 3 submissions from 3 submitters: Likely pathogenic (1); Uncertain significance (2). Last evaluated 2023-11-27.

Conditions:
RASopathy. Also called: Noonan spectrum disorder; rasopathies. Identifiers: Orphanet 536391, MedGen C5555857, MONDO:0021060.
Cardiovascular phenotype. Identifiers: MedGen CN230736.

Submissions (3):

Labcorp Genetics (formerly Invitae), Labcorp
Classification: Likely pathogenic for RASopathy. Last evaluated: 2023-11-27. Review status: criteria provided, single submitter. Criteria: Invitae Variant Classification Sherloc (09022015). Collection method: clinical testing. Allele origin: germline.
Comment: This sequence change replaces asparagine, which is neutral and polar, with tyrosine, which is neutral and polar, at codon 262 of the RAF1 protein (p.Asn262Tyr). This variant is not present in population databases (gnomAD no frequency). This variant has not been reported in the literature in individuals affected with RAF1-related conditions. ClinVar contains an entry for this variant (Variation ID: 636579). Advanced modeling of protein sequence and biophysical properties (such as structural, functional, and spatial information, amino acid conservation, physicochemical variation, residue mobility, and thermodynamic stability) performed at Invitae indicates that this missense variant is expected to disrupt RAF1 protein function with a positive predictive value of 95%. This variant disrupts the p.Asn262 amino acid residue in RAF1. Other variant(s) that disrupt this residue have been determined to be pathogenic (PMID: 20052757, 30732632). This suggests that this residue is clinically significant, and that variants that disrupt this residue are likely to be disease-causing. In summary, the currently available evidence indicates that the variant is pathogenic, but additional data are needed to prove that conclusively. Therefore, this variant has been classified as Likely Pathogenic.

Ambry Genetics
Classification: Uncertain significance for Cardiovascular phenotype. Last evaluated: 2021-10-01. Review status: criteria provided, single submitter. Criteria: Ambry Variant Classification Scheme 2023. Collection method: clinical testing. Allele origin: germline.
Comment: The p.N262Y variant (also known as c.784A>T), located in coding exon 6 of the RAF1 gene, results from an A to T substitution at nucleotide position 784. The asparagine at codon 262 is replaced by tyrosine, an amino acid with dissimilar properties. Additional alterations at the same codon, including p.N262K (c.786T>A and c.786T>G), have been described in individuals with Noonan syndrome, with some cases reported as de novo occurrences (Kobayashi T et al. Hum Mutat, 2010 Mar;31:284-94; Al-Hassnan ZN et al. Circ Genom Precis Med, 2020 10;13:504-514; Chen H et al. Orphanet J Rare Dis, 2019 02;14:29). This amino acid position is highly conserved in available vertebrate species. In addition, this alteration is predicted to be deleterious by in silico analysis. Since supporting evidence is limited at this time, the clinical significance of this alteration remains unclear.

Blueprint Genetics
Classification: Uncertain significance. Last evaluated: 2018-03-02. Review status: criteria provided, single submitter. Criteria: ACMG Guidelines, 2015. Collection method: clinical testing. Allele origin: germline.

Literature cited by the submitters: PubMed 20052757 (cited by Labcorp Genetics (formerly Invitae), Labcorp); PubMed 30732632 (cited by Labcorp Genetics (formerly Invitae), Labcorp).